The following is an entry in ClinVar:

NM_024675.4(PALB2):c.2079T>C (p.His693=)

Gene: PALB2 (partner and localizer of BRCA2; minus strand). Cytogenetic location: 16p12.2.
Variant type: single nucleotide variant.
Coding change: c.2079T>C on transcript NM_024675.4 (MANE Select); coding-DNA position 2079, T replaced by C.
Protein change: p.His693=; no amino-acid change (histidine 693 retained).
Molecular consequence: synonymous variant.
Genome position (GRCh38, 1-based): chr16:23,630,075, A>G on the plus strand (T>C on the coding strand, the complement: PALB2 is on the minus strand). VCF-style: chr16-23630075-A-G. GRCh37 (hg19) VCF-style: chr16-23641396-A-G.
Identifiers: ClinVar variation 486010 (VCV000486010.18), dbSNP rs1433680345, ClinGen allele CA494461224.

ClinVar aggregate classification (germline): Benign/Likely benign. Review status: criteria provided, multiple submitters, no conflicts (2 of 4 stars). 4 submissions from 4 submitters: Benign (1); Likely benign (3). Last evaluated 2025-01-15.

Conditions:
Hereditary cancer-predisposing syndrome. Also called: Tumor predisposition; Hereditary Cancer Syndrome; Hereditary neoplastic syndrome; Neoplastic Syndromes, Hereditary. Identifiers: Orphanet 140162, MedGen C0027672, MeSH D009386, MONDO:0015356.
Familial cancer of breast. Also called: hereditary breast carcinoma; BREAST CANCER, FAMILIAL; Hereditary breast cancer. Identifiers: Orphanet 227535, MedGen C0346153, MONDO:0016419, OMIM 114480. Disease mechanism: loss of function.

Allele frequency attached by ClinVar (database versions not stated): gnomAD exomes below 0.00001; TOPMed below 0.00001; gnomAD 0.00001.
gnomAD v4.1: 2 of 1,614,082 alleles (0.00012%); highest among the groups gnomAD compares: African/African-American, 0.0027%; no homozygotes.

Submissions (4):

Myriad Genetics, Inc.
Classification: Benign for Familial cancer of breast. Last evaluated: 2025-01-15. Review status: criteria provided, single submitter. Criteria: Myriad Autosomal Dominant, Autosomal Recessive and X-Linked Classification Criteria (2023). Collection method: clinical testing. Allele origin: unknown.
Comment: This variant is considered benign. This variant is a silent/synonymous amino acid change and it is not expected to impact splicing.

Labcorp Genetics (formerly Invitae), Labcorp
Classification: Likely benign for Familial cancer of breast. Last evaluated: 2024-04-07. Review status: criteria provided, single submitter. Criteria: Invitae Variant Classification Sherloc (09022015). Collection method: clinical testing. Allele origin: germline.

GeneDx
Classification: Likely benign. Last evaluated: 2017-03-10. Review status: criteria provided, single submitter. Criteria: GeneDx Variant Classification (06012015). Collection method: clinical testing. Allele origin: germline. Affected: yes.
Comment: This variant is considered likely benign or benign based on one or more of the following criteria: it is a conservative change, it occurs at a poorly conserved position in the protein, it is predicted to be benign by multiple in silico algorithms, and/or has population frequency not consistent with disease.

Ambry Genetics
Classification: Likely benign for Hereditary cancer-predisposing syndrome. Last evaluated: 2016-09-01. Review status: criteria provided, single submitter. Criteria: Ambry Variant Classification Scheme 2023. Collection method: clinical testing. Allele origin: germline.